The following is an entry in ClinVar:

ClinVar aggregate classification (germline): Uncertain significance (1 of 4 stars; one submission).

Submission:

Labcorp Genetics (formerly Invitae), Labcorp
Classification: Uncertain significance. Last evaluated: 2020-11-25. Review status: criteria provided, single submitter. Criteria: Invitae Variant Classification Sherloc (09022015). Collection method: clinical testing. Allele origin: germline.
Comment: In summary, the available evidence is currently insufficient to determine the role of this variant in disease. Therefore, it has been classified as a Variant of Uncertain Significance. Algorithms developed to predict the effect of missense changes on protein structure and function output the following: SIFT: "Tolerated"; PolyPhen-2: "Benign"; Align-GVGD: "Class C0". The arginine amino acid residue is found in multiple mammalian species, suggesting that this missense change does not adversely affect protein function. These predictions have not been confirmed by published functional studies and their clinical significance is uncertain. This variant has not been reported in the literature in individuals with POLE-related conditions. This variant is not present in population databases (ExAC no frequency). This sequence change replaces histidine with arginine at codon 182 of the POLE protein (p.His182Arg). The histidine residue is weakly conserved and there is a small physicochemical difference between histidine and arginine.

NM_006231.4(POLE):c.545A>G (p.His182Arg)

Gene: POLE (DNA polymerase epsilon, catalytic subunit; minus strand). Cytogenetic location: 12q24.33.
Variant type: single nucleotide variant.
Coding change: c.545A>G on transcript NM_006231.4 (MANE Select); coding-DNA position 545, A replaced by G.
Protein change: p.His182Arg; replaces histidine 182 with arginine.
Molecular consequence: missense variant.
Genome position (GRCh38, 1-based): chr12:132,679,530, T>C on the plus strand (A>G on the coding strand, the complement: POLE is on the minus strand). VCF-style: chr12-132679530-T-C. GRCh37 (hg19) VCF-style: chr12-133256116-T-C.
Other names: short protein forms H182R.
Identifiers: ClinVar variation 1471400 (VCV001471400.8), dbSNP rs2136027186, ClinGen allele CA387366836.